The following is an entry in ClinVar:

ClinVar aggregate classification (germline): Uncertain significance (1 of 4 stars; one submission).

Allele frequency attached by ClinVar (database versions not stated): gnomAD exomes below 0.00001.
gnomAD v4.1: 5 of 1,609,602 alleles (0.00031%); highest among the groups gnomAD compares: South Asian, 0.0011%; no homozygotes.

Submission:

GeneDx
Classification: Uncertain significance. Last evaluated: 2022-02-07. Review status: criteria provided, single submitter. Criteria: GeneDx Variant Classification Process June 2021. Collection method: clinical testing. Allele origin: germline. Affected: yes.
Comment: Has not been previously published as pathogenic or benign to our knowledge; In silico analysis supports that this missense variant has a deleterious effect on protein structure/function; Not observed at significant frequency in large population cohorts (gnomAD)

NM_005901.6(SMAD2):c.587A>G (p.Tyr196Cys)

Gene: SMAD2 (SMAD family member 2; minus strand). Cytogenetic location: 18q21.1.
Variant type: single nucleotide variant.
Coding change: c.587A>G on transcript NM_005901.6 (MANE Select); coding-DNA position 587, A replaced by G.
Protein change: p.Tyr196Cys; replaces tyrosine 196 with cysteine.
Molecular consequence: missense variant.
Genome position (GRCh38, 1-based): chr18:47,868,391, T>C on the plus strand (A>G on the coding strand, the complement: SMAD2 is on the minus strand). VCF-style: chr18-47868391-T-C. GRCh37 (hg19) VCF-style: chr18-45394762-T-C.
Other names: c.587A>G, p.Tyr196Cys (NM_001003652.4); c.497A>G, p.Tyr166Cys (NM_001135937.3); short protein forms Y166C, Y196C.
Identifiers: ClinVar variation 1185766 (VCV001185766.4), dbSNP rs2031718183, ClinGen allele CA402501655.